The following is an entry in ClinVar:

ClinVar aggregate classification (germline): Uncertain significance. Review status: criteria provided, multiple submitters, no conflicts (2 of 4 stars). 2 submissions from 2 submitters: Uncertain significance (2). Last evaluated 2025-10-05.

Conditions:
Neuroblastoma, susceptibility to, 3. Also called: ALK-Related Neuroblastic Tumor Susceptibility. Identifiers: Orphanet 635, MedGen C2751681, MONDO:0013083, OMIM 613014.
Hereditary cancer-predisposing syndrome. Also called: Hereditary Cancer Syndrome; Tumor predisposition; Hereditary neoplastic syndrome; Neoplastic Syndromes, Hereditary. Identifiers: Orphanet 140162, MedGen C0027672, MeSH D009386, MONDO:0015356.

Submissions (2):

Ambry Genetics
Classification: Uncertain significance for Hereditary cancer-predisposing syndrome. Last evaluated: 2025-10-05. Review status: criteria provided, single submitter. Criteria: Ambry Variant Classification Scheme 2023. Collection method: clinical testing. Allele origin: germline.
Comment: The p.T1516P variant (also known as c.4546A>C), located in coding exon 29 of the ALK gene, results from an A to C substitution at nucleotide position 4546. The threonine at codon 1516 is replaced by proline, an amino acid with highly similar properties. This amino acid position is conserved. In addition, this alteration is predicted to be tolerated by in silico analysis. Based on the available evidence, the clinical significance of this variant remains unclear.

Labcorp Genetics (formerly Invitae), Labcorp
Classification: Uncertain significance for Neuroblastoma, susceptibility to, 3. Last evaluated: 2023-05-29. Review status: criteria provided, single submitter. Criteria: Invitae Variant Classification Sherloc (09022015). Collection method: clinical testing. Allele origin: germline.
Comment: In summary, the available evidence is currently insufficient to determine the role of this variant in disease. Therefore, it has been classified as a Variant of Uncertain Significance. An algorithm developed to predict the effect of missense changes on protein structure and function (PolyPhen-2) suggests that this variant is likely to be tolerated. This variant has not been reported in the literature in individuals affected with ALK-related conditions. This variant is not present in population databases (gnomAD no frequency). This sequence change replaces threonine, which is neutral and polar, with proline, which is neutral and non-polar, at codon 1516 of the ALK protein (p.Thr1516Pro).

NM_004304.5(ALK):c.4546A>C (p.Thr1516Pro)

Gene: ALK (ALK receptor tyrosine kinase; minus strand). Cytogenetic location: 2p23.2.
Variant type: single nucleotide variant.
Coding change: c.4546A>C on transcript NM_004304.5 (MANE Select); coding-DNA position 4546, A replaced by C.
Protein change: p.Thr1516Pro; replaces threonine 1516 with proline.
Molecular consequence: missense variant.
Genome position (GRCh38, 1-based): chr2:29,193,541, T>G on the plus strand (A>C on the coding strand, the complement: ALK is on the minus strand). VCF-style: chr2-29193541-T-G. GRCh37 (hg19) VCF-style: chr2-29416407-T-G.
Other names: c.4546A>C (NM_004304.4); c.1342A>C, p.Thr448Pro (NM_001353765.2); short protein forms T448P, T1516P.
Identifiers: ClinVar variation 2746222 (VCV002746222.4), dbSNP rs1668936314, ClinGen allele CA346460829.